The following is an entry in ClinVar:

NM_001272046.2(VWA2):c.804G>A (p.Ala268=)

Gene: VWA2 (von Willebrand factor A domain containing 2; plus strand). Cytogenetic location: 10q25.3.
Variant type: single nucleotide variant.
Coding change: c.804G>A on transcript NM_001272046.2 (MANE Select); coding-DNA position 804, G replaced by A.
Protein change: p.Ala268=; no amino-acid change (alanine 268 retained).
Molecular consequence: synonymous variant.
Genome position (GRCh38, 1-based): chr10:114,278,822, G>A. VCF-style: chr10-114278822-G-A. GRCh37 (hg19) VCF-style: chr10-116038581-G-A.
Other names: c.804G>A, p.Ala268= (NM_001320804.1).
Identifiers: ClinVar variation 5000709 (VCV005000709.1).

ClinVar aggregate classification (germline): Likely benign (1 of 4 stars; one submission).

Conditions:
VWA2-related disorder. Also called: VWA2-related condition.

gnomAD v4.1: 80 of 1,613,160 alleles (0.005%); highest among the groups gnomAD compares: Middle Eastern, 0.019%; no homozygotes.

Submission:

PreventionGenetics, part of Exact Sciences
Classification: Likely benign for VWA2-related condition. Last evaluated: 2024-11-25. Review status: criteria provided, single submitter. Criteria: ACMG Guidelines, 2015. Collection method: clinical testing. Allele origin: germline.
Comment: This variant is classified as likely benign based on ACMG/AMP sequence variant interpretation guidelines (Richards et al. 2015 PMID: 25741868, with internal and published modifications).